The following is an entry in ClinVar:

ClinVar aggregate classification (germline): Uncertain significance (1 of 4 stars; one submission).

Conditions:
Hereditary pancreatitis (PCTT). Also called: PRSS1-Related Hereditary Pancreatitis; Hereditary chronic pancreatitis. Identifiers: Orphanet 676, MedGen C0238339, MONDO:0008185, OMIM 167800.

Allele frequency attached by ClinVar (database versions not stated): gnomAD exomes below 0.00001; gnomAD 0.00001.
gnomAD v4.1: 2 of 1,614,086 alleles (0.00012%); highest among the groups gnomAD compares: African/African-American, 0.0013%; no homozygotes.

Submission:

Ambry Genetics
Classification: Uncertain significance for Hereditary pancreatitis. Last evaluated: 2023-07-29. Review status: criteria provided, single submitter. Criteria: Ambry Variant Classification Scheme 2023. Collection method: clinical testing. Allele origin: germline.
Comment: The p.E230K variant (also known as c.688G>A), located in coding exon 7 of the CTRC gene, results from a G to A substitution at nucleotide position 688. The glutamic acid at codon 230 is replaced by lysine, an amino acid with similar properties. This amino acid position is conserved. In addition, the in silico prediction for this alteration is inconclusive. Since supporting evidence is limited at this time, the clinical significance of this alteration remains unclear.

NM_007272.3(CTRC):c.688G>A (p.Glu230Lys)

Gene: CTRC (chymotrypsin C; plus strand). Cytogenetic location: 1p36.21.
Variant type: single nucleotide variant.
Coding change: c.688G>A on transcript NM_007272.3 (MANE Select); coding-DNA position 688, G replaced by A.
Protein change: p.Glu230Lys; replaces glutamic acid 230 with lysine.
Molecular consequence: missense variant.
Genome position (GRCh38, 1-based): chr1:15,445,645, G>A. VCF-style: chr1-15445645-G-A. GRCh37 (hg19) VCF-style: chr1-15772140-G-A.
Other names: short protein forms E230K.
Identifiers: ClinVar variation 2626258 (VCV002626258.2), dbSNP rs1303051099, ClinGen allele CA338567770.